The following is an entry in ClinVar:

NM_005422.4(TECTA):c.5570G>T (p.Cys1857Phe)

Genes: TBCEL-TECTA (TBCEL-TECTA readthrough; plus strand), TECTA (tectorin alpha; plus strand). Cytogenetic location: 11q23.3.
Variant type: single nucleotide variant.
Coding change: c.5570G>T on transcript NM_005422.4 (MANE Select); coding-DNA position 5570, G replaced by T.
Protein change: p.Cys1857Phe; replaces cysteine 1857 with phenylalanine.
Molecular consequence: missense variant.
Genome position (GRCh38, 1-based): chr11:121,166,764, G>T. VCF-style: chr11-121166764-G-T. GRCh37 (hg19) VCF-style: chr11-121037473-G-T.
Other names: c.6512G>T, p.Cys2171Phe (NM_001378761.1); short protein forms C1857F, C2171F.
Identifiers: ClinVar variation 3603089 (VCV003603089.1).

ClinVar aggregate classification (germline): Uncertain significance (1 of 4 stars; one submission).

Submission:

GeneDx
Classification: Uncertain significance. Last evaluated: 2024-08-06. Review status: criteria provided, single submitter. Criteria: GeneDx Variant Classification Process June 2021. Collection method: clinical testing. Allele origin: germline. Affected: yes.
Comment: Not observed at significant frequency in large population cohorts (gnomAD); In silico analysis supports that this missense variant has a deleterious effect on protein structure/function; Has not been previously published as pathogenic or benign to our knowledge; This variant is associated with the following publications: (PMID: 21520338, 31554319, 9590290, 16718611)